The following is an entry in ClinVar:

NM_021098.3(CACNA1H):c.1782C>T (p.Ala594=)

Gene: CACNA1H (calcium voltage-gated channel subunit alpha1 H; plus strand). Cytogenetic location: 16p13.3.
Variant type: single nucleotide variant.
Coding change: c.1782C>T on transcript NM_021098.3 (MANE Select); coding-DNA position 1782, C replaced by T.
Protein change: p.Ala594=; no amino-acid change (alanine 594 retained).
Molecular consequence: synonymous variant.
Genome position (GRCh38, 1-based): chr16:1,202,232, C>T. VCF-style: chr16-1202232-C-T. GRCh37 (hg19) VCF-style: chr16-1252232-C-T.
Other names: c.1782C>T, p.Ala594= (NM_001005407.2); c.1782C>T (NM_021098.2).
Identifiers: ClinVar variation 1170857 (VCV001170857.11), dbSNP rs772111884, ClinGen allele CA7800006.
Genomic context (GRCh38, chr16:1,202,232, plus strand): 5'-CATCTACCATGCCGACTGCCACATAGAGGGGCCGCAGGAGAGGGCCCGGGTGGCACATGC[C>T]GCAGCCACTGCCGCTGCCAGCCTCAGACTGGCCACAGGGCTGGGCACCATGAACTACCCC-3'
Protein context (NP_066921.2, residues 584-604): GPQERARVAH[Ala594=]AATAAASLRL

ClinVar aggregate classification (germline): Benign/Likely benign. Review status: criteria provided, multiple submitters, no conflicts (2 of 4 stars). 3 submissions from 3 submitters: Benign (1); Likely benign (2). Last evaluated 2025-09-17.

Conditions:
CACNA1H-related disorder.
Hyperaldosteronism, familial, type IV (HALD4). Also called: FH IV; ALDOSTERONISM, PRIMARY, AND HYPERTENSION. Identifiers: Orphanet 642671, MedGen C4310756, MONDO:0014875, OMIM 617027.
Idiopathic generalized epilepsy. Also called: Generalised epilepsy; EIG. Identifiers: MedGen C0270850, MONDO:0005579, OMIM 600669.

Allele frequency attached by ClinVar (database versions not stated): TOPMed 0.00006; ExAC 0.00019; gnomAD 0.00022; gnomAD exomes 0.00022.
gnomAD v4.1: 169 of 1,557,460 alleles (0.011%); highest among the groups gnomAD compares: Middle Eastern, 0.05%; no homozygotes.

Submissions (3):

PreventionGenetics, part of Exact Sciences
Classification: Likely benign for CACNA1H-related condition. Last evaluated: 2025-09-17. Review status: criteria provided, single submitter. Criteria: ACMG Guidelines, 2015. Collection method: clinical testing. Allele origin: germline.
Comment: This variant is classified as likely benign based on ACMG/AMP sequence variant interpretation guidelines (Richards et al. 2015 PMID: 25741868, with internal and published modifications).

Blueprint Genetics
Classification: Likely benign. Last evaluated: 2024-10-18. Review status: criteria provided, single submitter. Criteria: ACMG Guidelines, 2015. Collection method: clinical testing. Allele origin: germline.

Labcorp Genetics (formerly Invitae), Labcorp
Classification: Benign for Idiopathic generalized epilepsy; Hyperaldosteronism, familial, type IV. Last evaluated: 2023-08-01. Review status: criteria provided, single submitter. Criteria: Invitae Variant Classification Sherloc (09022015). Collection method: clinical testing. Allele origin: germline.